The following is an entry in ClinVar:

NM_152468.5(TMC8):c.693G>C (p.Lys231Asn)

Gene: TMC8 (transmembrane channel like 8; plus strand). Cytogenetic location: 17q25.3.
Variant type: single nucleotide variant.
Coding change: c.693G>C on transcript NM_152468.5 (MANE Select); coding-DNA position 693, G replaced by C.
Protein change: p.Lys231Asn; replaces lysine 231 with asparagine.
Molecular consequence: missense variant.
Genome position (GRCh38, 1-based): chr17:78,133,877, G>C. VCF-style: chr17-78133877-G-C. GRCh37 (hg19) VCF-style: chr17-76129958-G-C.
Other names: short protein forms K231N.
Identifiers: ClinVar variation 657204 (VCV000657204.10), dbSNP rs376873435, ClinGen allele CA8796582.

ClinVar aggregate classification (germline): Uncertain significance. Review status: criteria provided, multiple submitters, no conflicts (2 of 4 stars). 2 submissions from 2 submitters: Uncertain significance (2). Last evaluated 2025-05-12.

Conditions:
Epidermodysplasia verruciformis. Identifiers: Orphanet 302, MedGen C0014522, MONDO:0009176.
Inborn genetic diseases. Identifiers: MedGen C0950123, MeSH D030342.

Allele frequency attached by ClinVar (database versions not stated): ExAC 0.00003; gnomAD exomes 0.00005 and 0.00013; gnomAD 0.00007; TOPMed 0.00014; ESP Exome Variant Server 0.00015.

Submissions (2):

Labcorp Genetics (formerly Invitae), Labcorp
Classification: Uncertain significance for Epidermodysplasia verruciformis. Last evaluated: 2025-05-12. Review status: criteria provided, single submitter. Criteria: Invitae Variant Classification Sherloc (09022015). Collection method: clinical testing. Allele origin: germline.
Comment: This sequence change replaces lysine, which is basic and polar, with asparagine, which is neutral and polar, at codon 231 of the TMC8 protein (p.Lys231Asn). This variant is present in population databases (rs376873435, gnomAD 0.01%). This variant has not been reported in the literature in individuals affected with TMC8-related conditions. ClinVar contains an entry for this variant (Variation ID: 657204). Invitae Evidence Modeling of protein sequence and biophysical properties (such as structural, functional, and spatial information, amino acid conservation, physicochemical variation, residue mobility, and thermodynamic stability) indicates that this missense variant is not expected to disrupt TMC8 protein function with a negative predictive value of 80%. In summary, the available evidence is currently insufficient to determine the role of this variant in disease. Therefore, it has been classified as a Variant of Uncertain Significance.

Ambry Genetics
Classification: Uncertain significance for Inborn genetic diseases. Last evaluated: 2024-06-05. Review status: criteria provided, single submitter. Criteria: Ambry Variant Classification Scheme 2023. Collection method: clinical testing. Allele origin: germline.